The following is an entry in ClinVar:

NM_019109.5(ALG1):c.872A>T (p.Asp291Val)

Gene: ALG1 (ALG1 chitobiosyldiphosphodolichol beta-mannosyltransferase; plus strand). Cytogenetic location: 16p13.3.
Variant type: single nucleotide variant.
Coding change: c.872A>T on transcript NM_019109.5 (MANE Select); coding-DNA position 872, A replaced by T.
Protein change: p.Asp291Val; replaces aspartic acid 291 with valine.
Molecular consequence: missense variant.
Genome position (GRCh38, 1-based): chr16:5,079,073, A>T. VCF-style: chr16-5079073-A-T. GRCh37 (hg19) VCF-style: chr16-5129074-A-T.
Other names: c.539A>T, p.Asp180Val (NM_001330504.2); short protein forms D180V, D291V.
Identifiers: ClinVar variation 690323 (VCV000690323.4), dbSNP rs192564717, ClinGen allele CA394681932.

ClinVar aggregate classification (germline): Uncertain significance. Review status: criteria provided, single submitter (1 of 4 stars). 2 submissions from 2 submitters: Uncertain significance (1). 1 of the submissions does not count toward it. Last evaluated 2021-11-26.

Conditions:
Congenital disorder of glycosylation (CDG). Also called: Carbohydrate-deficient glycoprotein syndrome; Congenital disorders of glycosylation. Identifiers: Orphanet 137, MedGen C0282577, MONDO:0015286.
ALG1-congenital disorder of glycosylation. Also called: CONGENITAL DISORDER OF GLYCOSYLATION, TYPE Ik; CDG Ik; ALG1-CDG. Identifiers: Orphanet 79327, MedGen C2931005, MONDO:0012052, OMIM 608540.

gnomAD v4.1: 23 of 1,599,596 alleles (0.0014%); highest among the groups gnomAD compares: Non-Finnish European, 0.0018%; no homozygotes.

Submissions (2):

Labcorp Genetics (formerly Invitae), Labcorp
Classification: Uncertain significance for ALG1-congenital disorder of glycosylation. Last evaluated: 2021-11-26. Review status: criteria provided, single submitter. Criteria: Invitae Variant Classification Sherloc (09022015). Collection method: clinical testing. Allele origin: germline.
Comment: This sequence change replaces aspartic acid, which is acidic and polar, with valine, which is neutral and non-polar, at codon 291 of the ALG1 protein (p.Asp291Val). This variant is present in population databases (no rsID available, gnomAD 0.001%). This missense change has been observed in individual(s) with ALG1-related congenital disorder of glycosylation (PMID: 26931382). ClinVar contains an entry for this variant (Variation ID: 690323). Advanced modeling of protein sequence and biophysical properties (such as structural, functional, and spatial information, amino acid conservation, physicochemical variation, residue mobility, and thermodynamic stability) performed at Invitae indicates that this missense variant is expected to disrupt ALG1 protein function. Experimental studies have shown that this missense change affects ALG1 function (PMID: 26931382). In summary, the available evidence is currently insufficient to determine the role of this variant in disease. Therefore, it has been classified as a Variant of Uncertain Significance.

University of Washington Center for Mendelian Genomics, University of Washington
Classification: Likely pathogenic for Congenital disorder of glycosylation. Last evaluated: 2017-05-25. Review status: no assertion criteria provided. Collection method: research. Allele origin: unknown. Affected: yes. Not counted in ClinVar's aggregate classification.

Literature cited by the submitters: PubMed 26931382 (cited by Labcorp Genetics (formerly Invitae), Labcorp and University of Washington Center for Mendelian Genomics, University of Washington).